The following is an entry in ClinVar:

NM_001199397.3(NEK1):c.209T>C (p.Phe70Ser)

Gene: NEK1 (NIMA related kinase 1; minus strand). Cytogenetic location: 4q33.
Variant type: single nucleotide variant.
Coding change: c.209T>C on transcript NM_001199397.3 (MANE Select); coding-DNA position 209, T replaced by C.
Protein change: p.Phe70Ser; replaces phenylalanine 70 with serine.
Molecular consequence: missense variant. On other transcripts: non-coding transcript variant (2).
Genome position (GRCh38, 1-based): chr4:169,602,013, A>G on the plus strand (T>C on the coding strand, the complement: NEK1 is on the minus strand). VCF-style: chr4-169602013-A-G. GRCh37 (hg19) VCF-style: chr4-170523164-A-G.
Other names: c.209T>C, p.Phe70Ser (NM_001199398.3, NM_001199399.3, NM_001199400.3 and 7 more transcripts); short protein forms F70S.
Identifiers: ClinVar variation 3693830 (VCV003693830.2).

ClinVar aggregate classification (germline): Uncertain significance (1 of 4 stars; one submission).

Conditions:
Short-rib thoracic dysplasia 6 with or without polydactyly (SRTD6). Also called: POLYDACTYLY WITH NEONATAL CHONDRODYSTROPHY, TYPE II; Majewski Syndrome; SHORT-RIB THORACIC DYSPLASIA 6 WITH POLYDACTYLY; SHORT-RIB THORACIC DYSPLASIA 6 WITHOUT POLYDACTYLY; SHORT RIB-POLYDACTYLY SYNDROME, TYPE IIA. Identifiers: MedGen C0024507, MONDO:0009894, OMIM 263520.

Submission:

Labcorp Genetics (formerly Invitae), Labcorp
Classification: Uncertain significance for Short-rib thoracic dysplasia 6 with or without polydactyly. Last evaluated: 2024-10-09. Review status: criteria provided, single submitter. Criteria: Invitae Variant Classification Sherloc (09022015). Collection method: clinical testing. Allele origin: germline.
Comment: This sequence change replaces phenylalanine, which is neutral and non-polar, with serine, which is neutral and polar, at codon 70 of the NEK1 protein (p.Phe70Ser). This variant is present in population databases (no rsID available, gnomAD 0.003%). This variant has not been reported in the literature in individuals affected with NEK1-related conditions. Invitae Evidence Modeling of protein sequence and biophysical properties (such as structural, functional, and spatial information, amino acid conservation, physicochemical variation, residue mobility, and thermodynamic stability) indicates that this missense variant is expected to disrupt NEK1 protein function with a positive predictive value of 95%. In summary, the available evidence is currently insufficient to determine the role of this variant in disease. Therefore, it has been classified as a Variant of Uncertain Significance.